The following is an entry in ClinVar:

ClinVar aggregate classification (germline): Conflicting classifications of pathogenicity. Review status: criteria provided, conflicting classifications (1 of 4 stars). 2 submissions from 2 submitters: Uncertain significance (1); Likely benign (1). Last evaluated 2019-03-08.

Conditions:
Cardiovascular phenotype. Identifiers: MedGen CN230736.

Allele frequency attached by ClinVar (database versions not stated): TOPMed below 0.00001; ExAC 0.00002; gnomAD exomes 0.00002 and 0.00003.
gnomAD v4.1: 28 of 1,612,274 alleles (0.0017%); highest among the groups gnomAD compares: East Asian, 0.02%; no homozygotes.

Submissions (2):

GeneDx
Classification: Likely benign. Last evaluated: 2019-03-08. Review status: criteria provided, single submitter. Criteria: GeneDx Variant Classification Process June 2021. Collection method: clinical testing. Allele origin: germline. Affected: yes.

Ambry Genetics
Classification: Uncertain significance for Cardiovascular phenotype. Last evaluated: 2013-01-28. Review status: criteria provided, single submitter. Criteria: Ambry Autosomal Dominant and X-Linked criteria (10/2015). Collection method: clinical testing. Allele origin: germline. Observed: 1 variant allele.
Comment: There is insufficient or conflicting evidence for classification of this alteration.

NM_001267550.2(TTN):c.48827T>C (p.Ile16276Thr)

Genes: TTN (titin; minus strand), TTN-AS1 (TTN antisense RNA 1; plus strand), LOC126806426 (BRD4-independent group 4 enhancer GRCh37_chr2:179478848-179480047; plus strand). Cytogenetic location: 2q31.2.
Variant type: single nucleotide variant.
Coding change: c.48827T>C on transcript NM_001267550.2 (MANE Select); coding-DNA position 48827, T replaced by C.
Protein change: p.Ile16276Thr; replaces isoleucine 16276 with threonine.
Molecular consequence: missense variant. On other transcripts: non-coding transcript variant (1).
Genome position (GRCh38, 1-based): chr2:178,614,687, A>G on the plus strand (T>C on the coding strand, the complement: TTN is on the minus strand). VCF-style: chr2-178614687-A-G. GRCh37 (hg19) VCF-style: chr2-179479414-A-G.
Other names: c.43904T>C, p.Ile14635Thr (NM_001256850.1); c.21632T>C, p.Ile7211Thr (NM_003319.4); c.41123T>C, p.Ile13708Thr (NM_133378.4); c.22007T>C, p.Ile7336Thr (NM_133432.3); c.22208T>C, p.Ile7403Thr (NM_133437.4); short protein forms I13708T, I16276T, I7211T, I14635T, I7403T, I7336T.
Identifiers: ClinVar variation 263497 (VCV000263497.5), dbSNP rs759916327, ClinGen allele CA1994739.